The following is an entry in ClinVar:

NM_001002755.4(NFU1):c.293C>T (p.Pro98Leu)

Gene: NFU1 (NFU1 iron-sulfur cluster scaffold; minus strand). Cytogenetic location: 2p13.3.
Variant type: single nucleotide variant.
Coding change: c.293C>T on transcript NM_001002755.4 (MANE Select); coding-DNA position 293, C replaced by T.
Protein change: p.Pro98Leu; replaces proline 98 with leucine.
Molecular consequence: missense variant. On other transcripts: intron variant (1).
Genome position (GRCh38, 1-based): chr2:69,423,591, G>A on the plus strand (C>T on the coding strand, the complement: NFU1 is on the minus strand). VCF-style: chr2-69423591-G-A. GRCh37 (hg19) VCF-style: chr2-69650723-G-A.
Other names: c.221C>T, p.Pro74Leu (NM_001374284.1, NM_015700.4); c.-121-3987C>T (NM_001002756.2); short protein forms P98L, P74L.
Identifiers: ClinVar variation 5009975 (VCV005009975.1).
Genomic context (GRCh38, chr2:69,423,591, plus strand): 5'-CAGTTAGTTATTTATGTTTCTTGGTAAAAGCAAATGAAAACAGTAATATACCTAGCCAGA[G>A]GGGAGCGAAATGCTGCAGCTGGGGTGGGAAAATCCATGGTCCTTGTCTCAAGAACTGGTT-3'
Protein context (NP_001002755.1, residues 88-108): FPTPAAAFRS[Pro98Leu]LARQLFRIEG

ClinVar aggregate classification (germline): Uncertain significance (1 of 4 stars; one submission).

gnomAD v4.1: 4 of 1,613,472 alleles (0.00025%); highest among the groups gnomAD compares: South Asian, 0.0011%; no homozygotes.

Submission:

GeneDx
Classification: Uncertain significance. Last evaluated: 2026-02-25. Review status: criteria provided, single submitter. Criteria: GeneDx Variant Classification Process June 2021. Collection method: clinical testing. Allele origin: germline.
Comment: Not observed at significant frequency in large population cohorts (gnomAD); In silico analysis supports that this missense variant has a deleterious effect on protein structure/function; Has not been previously published as pathogenic or benign to our knowledge